The following is an entry in ClinVar:

NM_005896.4(IDH1):c.137T>C (p.Ile46Thr)

Gene: IDH1 (isocitrate dehydrogenase (NADP(+)) 1; minus strand). Cytogenetic location: 2q34.
Variant type: single nucleotide variant.
Coding change: c.137T>C on transcript NM_005896.4 (MANE Select); coding-DNA position 137, T replaced by C.
Protein change: p.Ile46Thr; replaces isoleucine 46 with threonine.
Molecular consequence: missense variant.
Genome position (GRCh38, 1-based): chr2:208,248,646, A>G on the plus strand (T>C on the coding strand, the complement: IDH1 is on the minus strand). VCF-style: chr2-208248646-A-G. GRCh37 (hg19) VCF-style: chr2-209113370-A-G.
Other names: c.137T>C, p.Ile46Thr (NM_001282386.1, NM_001282387.1); short protein forms I46T.
Identifiers: ClinVar variation 1771263 (VCV001771263.2), dbSNP rs2124864039, ClinGen allele CA350102537.

ClinVar aggregate classification (germline): Uncertain significance (1 of 4 stars; one submission).

Submission:

Ambry Genetics
Classification: Uncertain significance. Last evaluated: 2021-12-12. Review status: criteria provided, single submitter. Criteria: Ambry Variant Classification Scheme 2023. Collection method: clinical testing. Allele origin: germline.
Comment: The p.I46T variant (also known as c.137T>C), located in coding exon 2 of the IDH1 gene, results from a T to C substitution at nucleotide position 137. The isoleucine at codon 46 is replaced by threonine, an amino acid with similar properties. This amino acid position is conserved. In addition, the in silico prediction for this alteration is inconclusive. Since supporting evidence is limited at this time, the clinical significance of this alteration remains unclear.